The following is an entry in ClinVar:

NM_007294.4(BRCA1):c.623C>T (p.Thr208Ile)

Gene: BRCA1 (BRCA1 DNA repair associated; minus strand). Cytogenetic location: 17q21.31.
Variant type: single nucleotide variant.
Coding change: c.623C>T on transcript NM_007294.4 (MANE Select); coding-DNA position 623, C replaced by T.
Protein change: p.Thr208Ile; replaces threonine 208 with isoleucine.
Molecular consequence: missense variant. On other transcripts: intron variant (115).
Genome position (GRCh38, 1-based): chr17:43,095,893, G>A on the plus strand (C>T on the coding strand, the complement: BRCA1 is on the minus strand). VCF-style: chr17-43095893-G-A. GRCh37 (hg19) VCF-style: chr17-41247910-G-A.
Other names: c.404-1033C>T (NM_001408504.1, NM_001407931.1, NM_001407932.1 and 5 more transcripts); c.407-1033C>T (NM_001408499.1, NM_001407933.1, NM_001407927.1 and 15 more transcripts); c.338-1033C>T (NM_001407952.1, NM_001407950.1, NM_001407948.1 and 7 more transcripts); c.467-1033C>T (NM_001407874.1, NM_001408475.1, NM_001407875.1); c.545-1033C>T (NM_001408450.1, NM_001408434.1, NM_001407672.1 and 20 more transcripts); c.548-1033C>T (NM_001408440.1, NM_001408428.1, NM_001407678.1 and 34 more transcripts); c.335-1033C>T (NM_001407956.1, NM_001408509.1, NM_001408508.1 and 3 more transcripts); c.410C>T, p.Thr137Ile (NM_001407571.1, NM_001407853.1, NM_001407894.1 and 12 more transcripts); and 17 more; short protein forms T137I, T138I, T160I, T161I, T163I, T181I, T182I, T205I.
Identifiers: ClinVar variation 3765082 (VCV003765082.2).

ClinVar aggregate classification (germline): Conflicting classifications of pathogenicity. Review status: criteria provided, conflicting classifications (1 of 4 stars). 2 submissions from 2 submitters: Uncertain significance (1); Likely benign (1). Last evaluated 2025-03-04.

Conditions:
Hereditary breast ovarian cancer syndrome. Also called: Hereditary breast and/or ovarian cancer syndrome; Hereditary breast and ovarian cancer; BRCA1- and BRCA2-Associated Hereditary Breast and Ovarian Cancer; Hereditary breast and ovarian cancer syndrome; Hereditary breast and ovarian cancer syndrome (HBOC); Breast and ovarian cancer. Identifiers: Orphanet 145, MedGen C0677776, MeSH D061325, MONDO:0003582. Disease mechanism: loss of function.

gnomAD v4.1: 1 of 1,613,792 alleles (0.000062%); highest among the groups gnomAD compares: South Asian, 0.0011%; no homozygotes.

Submissions (2):

Center for Genomic Medicine, Rigshospitalet, Copenhagen University Hospital
Classification: Likely benign. Last evaluated: 2025-03-04. Review status: criteria provided, single submitter. Criteria: ACMG Guidelines, 2015. Collection method: clinical testing. Allele origin: germline.

Labcorp Genetics (formerly Invitae), Labcorp
Classification: Uncertain significance for Hereditary breast ovarian cancer syndrome. Last evaluated: 2025-03-02. Review status: criteria provided, single submitter. Criteria: Invitae Variant Classification Sherloc (09022015). Collection method: clinical testing. Allele origin: germline.
Comment: This sequence change replaces threonine, which is neutral and polar, with isoleucine, which is neutral and non-polar, at codon 208 of the BRCA1 protein (p.Thr208Ile). This variant is not present in population databases (gnomAD no frequency). This variant has not been reported in the literature in individuals affected with BRCA1-related conditions. Invitae Evidence Modeling of protein sequence and biophysical properties (such as structural, functional, and spatial information, amino acid conservation, physicochemical variation, residue mobility, and thermodynamic stability) indicates that this missense variant is not expected to disrupt BRCA1 protein function with a negative predictive value of 80%. In summary, the available evidence is currently insufficient to determine the role of this variant in disease. Therefore, it has been classified as a Variant of Uncertain Significance.